The following is an entry in ClinVar:

NM_002528.7(NTHL1):c.185G>T (p.Gly62Val)

Gene: NTHL1 (nth like DNA glycosylase 1; minus strand). Cytogenetic location: 16p13.3.
Variant type: single nucleotide variant.
Coding change: c.185G>T on transcript NM_002528.7 (MANE Select); coding-DNA position 185, G replaced by T.
Protein change: p.Gly62Val; replaces glycine 62 with valine.
Molecular consequence: missense variant.
Genome position (GRCh38, 1-based): chr16:2,046,297, C>A on the plus strand (G>T on the coding strand, the complement: NTHL1 is on the minus strand). VCF-style: chr16-2046297-C-A. GRCh37 (hg19) VCF-style: chr16-2096298-C-A.
Other names: c.185G>T, p.Gly62Val (NM_001318193.2); c.7G>T, p.Ala3Ser (NM_001318194.2); short protein forms A3S, G62V.
Identifiers: ClinVar variation 3408218 (VCV003408218.1).

ClinVar aggregate classification (germline): Uncertain significance (1 of 4 stars; one submission).

Conditions:
Hereditary cancer-predisposing syndrome. Also called: Neoplastic Syndromes, Hereditary; Tumor predisposition; Hereditary Cancer Syndrome; Hereditary neoplastic syndrome. Identifiers: Orphanet 140162, MedGen C0027672, MeSH D009386, MONDO:0015356.

Submission:

Ambry Genetics
Classification: Uncertain significance for Hereditary cancer-predisposing syndrome. Last evaluated: 2024-09-16. Review status: criteria provided, single submitter. Criteria: Ambry Variant Classification Scheme 2023. Collection method: clinical testing. Allele origin: germline.
Comment: The p.G70V variant (also known as c.209G>T), located in coding exon 2 of the NTHL1 gene, results from a G to T substitution at nucleotide position 209. The glycine at codon 70 is replaced by valine, an amino acid with dissimilar properties. This amino acid position is conserved. In addition, this alteration is predicted to be tolerated by in silico analysis. Based on the available evidence, the clinical significance of this variant remains unclear.